The following is an entry in ClinVar:

NM_001142800.2(EYS):c.6284C>T (p.Pro2095Leu)

Gene: EYS (EGF-like photoreceptor maintenance factor; minus strand). Cytogenetic location: 6q12.
Variant type: single nucleotide variant.
Coding change: c.6284C>T on transcript NM_001142800.2 (MANE Select); coding-DNA position 6284, C replaced by T.
Protein change: p.Pro2095Leu; replaces proline 2095 with leucine.
Molecular consequence: missense variant.
Genome position (GRCh38, 1-based): chr6:64,230,732, G>A on the plus strand (C>T on the coding strand, the complement: EYS is on the minus strand). VCF-style: chr6-64230732-G-A. GRCh37 (hg19) VCF-style: chr6-64940625-G-A.
Other names: c.6284C>T, p.Pro2095Leu (NM_001292009.2); short protein forms P2095L.
Identifiers: ClinVar variation 357700 (VCV000357700.52), dbSNP rs200374024, ClinGen allele CA3876931.

ClinVar aggregate classification (germline): Conflicting classifications of pathogenicity. Review status: criteria provided, conflicting classifications (1 of 4 stars). 7 submissions from 7 submitters: Uncertain significance (4); Likely benign (1). 2 of the submissions do not count toward it. Last evaluated 2026-08-19.

Conditions:
Retinitis pigmentosa (RP). Identifiers: Orphanet 791, MedGen C0035334, MeSH D012174, MONDO:0019200, OMIM 268000. Inheritance: Autosomal dominant, autosomal recessive and X linked inheritance.
Retinitis pigmentosa 25 (RP25). Identifiers: Orphanet 791, MedGen C1864446, MONDO:0011272, OMIM 602772.
EYS-related disorder. Also called: EYS-related condition.

Allele frequency attached by ClinVar (database versions not stated): gnomAD 0.00078 and 0.00081; ESP Exome Variant Server 0.00110; gnomAD exomes 0.00126 and 0.00054; 1000 Genomes Project 30x 0.00016; ExAC 0.00036; TOPMed 0.00070.
gnomAD v4.1: 1,873 of 1,551,570 alleles (0.12%); highest among the groups gnomAD compares: Non-Finnish European, 0.15%; 3 homozygotes.

Submissions (7):

PreventionGenetics, part of Exact Sciences
Classification: Uncertain significance for EYS-related condition. Last evaluated: 2026-08-19. Review status: criteria provided, single submitter. Criteria: ACMG Guidelines, 2015. Collection method: clinical testing. Allele origin: germline.
Comment: The EYS c.6284C>T variant is predicted to result in the amino acid substitution p.Pro2095Leu. This variant was previously reported in an individual with retinal disease; however, a second potentially causative variant was not described in that individual (Westin et al. 2021. PubMed ID: 33833316). Additionally, this variant is reported in 0.11% of alleles in individuals of European (Non-Finnish) descent in gnomAD, which may be too common to be an unreported cause of disease. Although we suspect that this variant may be benign, at this time, the clinical significance of this variant is uncertain due to the absence of conclusive functional and genetic evidence.

Blueprint Genetics
Classification: Likely benign. Last evaluated: 2024-10-31. Review status: criteria provided, single submitter. Criteria: ACMG Guidelines, 2015. Collection method: clinical testing. Allele origin: germline.

Labcorp Genetics (formerly Invitae), Labcorp
Classification: Uncertain significance. Last evaluated: 2022-11-01. Review status: criteria provided, single submitter. Criteria: Invitae Variant Classification Sherloc (09022015). Collection method: clinical testing. Allele origin: germline.
Comment: This sequence change replaces proline, which is neutral and non-polar, with leucine, which is neutral and non-polar, at codon 2095 of the EYS protein (p.Pro2095Leu). This variant is present in population databases (rs200374024, gnomAD 0.09%), and has an allele count higher than expected for a pathogenic variant. This variant has not been reported in the literature in individuals affected with EYS-related conditions. ClinVar contains an entry for this variant (Variation ID: 357700). Algorithms developed to predict the effect of missense changes on protein structure and function output the following: SIFT: "Tolerated"; PolyPhen-2: "Benign"; Align-GVGD: "Class C0". The leucine amino acid residue is found in multiple mammalian species, which suggests that this missense change does not adversely affect protein function. In summary, the available evidence is currently insufficient to determine the role of this variant in disease. Therefore, it has been classified as a Variant of Uncertain Significance.

Illumina Laboratory Services, Illumina
Classification: Uncertain significance for Retinitis pigmentosa. Last evaluated: 2018-01-13. Review status: criteria provided, single submitter. Criteria: ICSL Variant Classification Criteria 13 December 2019. Collection method: clinical testing. Allele origin: germline.

CeGaT Center for Human Genetics Tuebingen
Classification: Uncertain significance. Last evaluated: 2016-10-01. Review status: criteria provided, single submitter. Criteria: CeGaT Center For Human Genetics Tuebingen Variant Classification Criteria Version 2. Collection method: clinical testing. Allele origin: germline. Affected: yes. Observed: 1 variant allele.

Natera, Inc.
Classification: Uncertain significance for Retinitis pigmentosa type 25. Last evaluated: 2020-06-12. Review status: no assertion criteria provided. Collection method: clinical testing. Allele origin: germline. Not counted in ClinVar's aggregate classification.

Joint Genome Diagnostic Labs from Nijmegen and Maastricht, Radboudumc and MUMC+
Classification: Uncertain significance for Retinitis pigmentosa 25. Last evaluated: 2016-09-01. Review status: no assertion criteria provided. Collection method: clinical testing. Allele origin: inherited. Affected: yes. Observed: 1 variant allele. Not counted in ClinVar's aggregate classification.